The following is an entry in ClinVar:

ClinVar aggregate classification (germline): Likely benign. Review status: criteria provided, multiple submitters, no conflicts (2 of 4 stars). 3 submissions from 3 submitters: Likely benign (2). 1 of the submissions does not count toward it. Last evaluated 2024-12-04.

Conditions:
SDHB-related disorder. Also called: SDHB-related condition; SDHB-related disorders. Identifiers: MedGen CN239418.
Gastrointestinal stromal tumor. Also called: Gastrointestinal stromal tumor, somatic; Gastrointestinal stroma tumor. Identifiers: Orphanet 44890, MedGen C0238198, MeSH D046152, MONDO:0011719, OMIM 606764, HP:0100723.
Pheochromocytoma/paraganglioma syndrome 4. Also called: SDHB-Related Hereditary Paraganglioma-Pheochromocytoma Syndrome (Paragangliomas 4); SDHB-Related Hereditary Paraganglioma-Pheochromocytoma Syndrome; CAROTID BODY TUMORS AND MULTIPLE EXTRAADRENAL PHEOCHROMOCYTOMAS; PARAGANGLIOMA, FAMILIAL MALIGNANT; PARAGANGLIOMAS, HEREDITARY EXTRAADRENAL; PHEOCHROMOCYTOMA, FAMILIAL EXTRAADRENAL. Identifiers: Orphanet 29072, MedGen C1861848, MONDO:0007273, OMIM 115310.
Pheochromocytoma. Also called: MAX-Related Hereditary Paraganglioma-Pheochromocytoma Syndrome. Identifiers: Orphanet 29072, MedGen C0031511, MONDO:0008233, OMIM 171300, HP:0002666.
Hereditary cancer-predisposing syndrome. Also called: Neoplastic Syndromes, Hereditary; Hereditary Cancer Syndrome; Hereditary neoplastic syndrome; Tumor predisposition. Identifiers: Orphanet 140162, MedGen C0027672, MeSH D009386, MONDO:0015356.

Submissions (3):

Labcorp Genetics (formerly Invitae), Labcorp
Classification: Likely benign for Gastrointestinal stromal tumor; Pheochromocytoma/paraganglioma syndrome 4; Pheochromocytoma. Last evaluated: 2024-12-04. Review status: criteria provided, single submitter. Criteria: Invitae Variant Classification Sherloc (09022015). Collection method: clinical testing. Allele origin: germline.

Ambry Genetics
Classification: Likely benign for Hereditary cancer-predisposing syndrome. Last evaluated: 2020-01-22. Review status: criteria provided, single submitter. Criteria: Ambry Variant Classification Scheme 2023. Collection method: clinical testing. Allele origin: germline.

PreventionGenetics, part of Exact Sciences
Classification: Likely benign for SDHB-related condition. Last evaluated: 2021-03-09. Review status: no assertion criteria provided. Collection method: clinical testing. Allele origin: germline. Not counted in ClinVar's aggregate classification.
Comment: This variant is classified as likely benign based on ACMG/AMP sequence variant interpretation guidelines (Richards et al. 2015 PMID: 25741868, with internal and published modifications).

NM_003000.3(SDHB):c.558C>T (p.Cys186=)

Gene: SDHB (succinate dehydrogenase complex iron sulfur subunit B; minus strand). Cytogenetic location: 1p36.13.
Variant type: single nucleotide variant.
Coding change: c.558C>T on transcript NM_003000.3 (MANE Select); coding-DNA position 558, C replaced by T.
Protein change: p.Cys186=; no amino-acid change (cysteine 186 retained).
Molecular consequence: synonymous variant.
Genome position (GRCh38, 1-based): chr1:17,024,057, G>A on the plus strand (C>T on the coding strand, the complement: SDHB is on the minus strand). VCF-style: chr1-17024057-G-A. GRCh37 (hg19) VCF-style: chr1-17350552-G-A.
Identifiers: ClinVar variation 756634 (VCV000756634.14), dbSNP rs1570945906, ClinGen allele CA416083897.